The following is an entry in ClinVar:

ClinVar aggregate classification (germline): Uncertain significance (1 of 4 stars; one submission).

Conditions:
Inborn genetic diseases. Identifiers: MedGen C0950123, MeSH D030342.

Submission:

Ambry Genetics
Classification: Uncertain significance for Inborn genetic diseases. Last evaluated: 2024-12-20. Review status: criteria provided, single submitter. Criteria: Ambry Variant Classification Scheme 2023. Collection method: clinical testing. Allele origin: germline.
Comment: The p.A149E variant (also known as c.446C>A), located in coding exon 3 of the HAX1 gene, results from a C to A substitution at nucleotide position 446. The alanine at codon 149 is replaced by glutamic acid, an amino acid with dissimilar properties. This amino acid position is conserved. In addition, this alteration is predicted to be tolerated by in silico analysis. Based on the available evidence, the clinical significance of this variant remains unclear.

NM_006118.4(HAX1):c.446C>A (p.Ala149Glu)

Gene: HAX1 (HCLS1 associated protein X-1; plus strand). Cytogenetic location: 1q21.3.
Variant type: single nucleotide variant.
Coding change: c.446C>A on transcript NM_006118.4 (MANE Select); coding-DNA position 446, C replaced by A.
Protein change: p.Ala149Glu; replaces alanine 149 with glutamic acid.
Molecular consequence: missense variant.
Genome position (GRCh38, 1-based): chr1:154,273,903, C>A. VCF-style: chr1-154273903-C-A. GRCh37 (hg19) VCF-style: chr1-154246379-C-A.
Other names: c.302C>A, p.Ala101Glu (NM_001018837.2); short protein forms A101E, A149E.
Identifiers: ClinVar variation 3856860 (VCV003856860.1).